The following is an entry in ClinVar:

NM_005033.3(EXOSC9):c.127T>G (p.Tyr43Asp)

Gene: EXOSC9 (exosome component 9; plus strand). Cytogenetic location: 4q27.
Variant type: single nucleotide variant.
Coding change: c.127T>G on transcript NM_005033.3 (MANE Select); coding-DNA position 127, T replaced by G.
Protein change: p.Tyr43Asp; replaces tyrosine 43 with aspartic acid.
Molecular consequence: missense variant.
Genome position (GRCh38, 1-based): chr4:121,801,887, T>G. VCF-style: chr4-121801887-T-G. GRCh37 (hg19) VCF-style: chr4-122723042-T-G.
Other names: c.127T>G, p.Tyr43Asp (NM_001034194.2); short protein forms Y43D.
Identifiers: ClinVar variation 1946407 (VCV001946407.5), dbSNP rs755987255, ClinGen allele CA3063286.
Genomic context (GRCh38, chr4:121,801,887, plus strand): 5'-CGGCTGGATGGCAGACAAACCTATGATTATAGGAACATCAGGATCTCATTTGGAACAGAT[T>G]ACGGATGCTGCATTGTGGAACTTGGAAAAACAAGGTAACAGGATTTAAATGAGATACACA-3'
Protein context (NP_005024.2, residues 33-53): RNIRISFGTD[Tyr43Asp]GCCIVELGKT

ClinVar aggregate classification (germline): Uncertain significance (1 of 4 stars; one submission).

Allele frequency attached by ClinVar (database versions not stated): ExAC 0.00002.
gnomAD v4.1: 23 of 1,613,936 alleles (0.0014%); highest among the groups gnomAD compares: South Asian, 0.024%; no homozygotes.

Submission:

Labcorp Genetics (formerly Invitae), Labcorp
Classification: Uncertain significance. Last evaluated: 2022-08-20. Review status: criteria provided, single submitter. Criteria: Invitae Variant Classification Sherloc (09022015). Collection method: clinical testing. Allele origin: germline.
Comment: This variant is present in population databases (rs755987255, gnomAD 0.02%). In summary, the available evidence is currently insufficient to determine the role of this variant in disease. Therefore, it has been classified as a Variant of Uncertain Significance. Algorithms developed to predict the effect of missense changes on protein structure and function are either unavailable or do not agree on the potential impact of this missense change (SIFT: "Deleterious"; PolyPhen-2: "Benign"; Align-GVGD: "Class C0"). This variant has not been reported in the literature in individuals affected with EXOSC9-related conditions. This sequence change replaces tyrosine, which is neutral and polar, with aspartic acid, which is acidic and polar, at codon 43 of the EXOSC9 protein (p.Tyr43Asp).